The following is an entry in ClinVar:

NM_019098.5(CNGB3):c.1600del (p.Tyr534fs)

Gene: CNGB3 (cyclic nucleotide gated channel subunit beta 3; minus strand). Cytogenetic location: 8q21.3.
Variant type: Deletion.
Coding change: c.1600del on transcript NM_019098.5 (MANE Select); coding-DNA position 1600, one base deleted (T; older notation c.1600delT).
Protein change: p.Tyr534fs; shifts the reading frame from tyrosine 534.
Molecular consequence: frameshift variant.
Genome position (GRCh38, 1-based): chr8:86,611,650, A deleted on the plus strand (T on the coding strand, the reverse complement: CNGB3 is on the minus strand); the first of 3 consecutive A bases (chr8:86,611,650-86,611,652); deleting any one gives the same sequence. VCF-style (leftmost placement, unchanged base first): chr8-86611649-TA-T. GRCh37 (hg19) VCF-style: chr8-87623877-TA-T.
Other names: short protein forms Y534fs.
Identifiers: ClinVar variation 5013549 (VCV005013549.1).

ClinVar aggregate classification (germline): Pathogenic (1 of 4 stars; one submission).

Conditions:
Achromatopsia 3 (ACHM3). Also called: ACHROMATOPSIA WITH MYOPIA; PINGELAPESE BLINDNESS; TOTAL COLORBLINDNESS WITH MYOPIA; ROD MONOCHROMACY 1; ROD MONOCHROMATISM 1. Identifiers: Orphanet 49382, MedGen C1849792, MONDO:0009875, OMIM 262300.

Submission:

Myriad Genetics, Inc.
Classification: Pathogenic for Achromatopsia 3. Last evaluated: 2024-09-12. Review status: criteria provided, single submitter. Criteria: Myriad Autosomal Dominant, Autosomal Recessive and X-Linked Classification Criteria (2023). Collection method: clinical testing. Allele origin: unknown.
Comment: NM_019098.4(CNGB3):c.1600delT(Y534Mfs*5) is expected to be pathogenic in the context of achromatopsia, CNGB3-related. This variant is predicted to lead to an abnormal or absent protein product due to the creation of a premature termination codon in CNGB3, a gene where loss-of-function variants are known to be pathogenic. Please note: this variant was assessed in the context of healthy population screening.